The following is an entry in ClinVar:

NM_003622.4(PPFIBP1):c.1746T>C (p.Gly582=)

Gene: PPFIBP1 (PPFIB scaffold protein 1; plus strand). Cytogenetic location: 12p11.22.
Variant type: single nucleotide variant.
Coding change: c.1746T>C on transcript NM_003622.4 (MANE Select); coding-DNA position 1746, T replaced by C.
Protein change: p.Gly582=; no amino-acid change (glycine 582 retained).
Molecular consequence: synonymous variant.
Genome position (GRCh38, 1-based): chr12:27,679,619, T>C. VCF-style: chr12-27679619-T-C. GRCh37 (hg19) VCF-style: chr12-27832552-T-C.
Other names: c.1305T>C, p.Gly435= (NM_001198915.2); c.1671T>C, p.Gly557= (NM_001198916.2); c.1764T>C, p.Gly588= (NM_177444.3).
Identifiers: ClinVar variation 4534098 (VCV004534098.7).

ClinVar aggregate classification (germline): Likely benign. Review status: criteria provided, multiple submitters, no conflicts (2 of 4 stars). 2 submissions from 2 submitters: Likely benign (2). Last evaluated 2025-11-01.

gnomAD v4.1: 98 of 1,613,710 alleles (0.0061%); highest among the groups gnomAD compares: Middle Eastern, 0.066%; no homozygotes.

Submissions (2):

CeGaT Center for Human Genetics Tuebingen
Classification: Likely benign. Last evaluated: 2025-11-01. Review status: criteria provided, single submitter. Criteria: CeGaT Center For Human Genetics Tuebingen Variant Classification Criteria Version 2. Collection method: clinical testing. Allele origin: germline. Affected: yes. Observed: 1 variant allele.
Comment: PPFIBP1: BP4, BP7

Blueprint Genetics
Classification: Likely benign. Last evaluated: 2023-06-08. Review status: criteria provided, single submitter. Criteria: ACMG Guidelines, 2015. Collection method: clinical testing. Allele origin: germline.